The following is an entry in ClinVar:

ClinVar aggregate classification (germline): Benign/Likely benign. Review status: criteria provided, multiple submitters, no conflicts (2 of 4 stars). 9 submissions from 9 submitters: Benign (3); Likely benign (3). 3 of the submissions do not count toward it. Last evaluated 2026-01-18.

Allele frequency attached by ClinVar (database versions not stated): 1000 Genomes Project 30x 0.00781; 1000 Genomes Project 0.00799; TOPMed 0.01063; gnomAD 0.01221 and 0.01243; ESP Exome Variant Server 0.01261; gnomAD exomes 0.01362 and 0.01600; ExAC 0.01410.
gnomAD v4.1: 25,180 of 1,613,114 alleles (1.6%); highest among the groups gnomAD compares: Non-Finnish European, 1.7%; 286 homozygotes.

Submissions (9):

Labcorp Genetics (formerly Invitae), Labcorp
Classification: Benign. Last evaluated: 2026-01-18. Review status: criteria provided, single submitter. Criteria: Invitae Variant Classification Sherloc (09022015). Collection method: clinical testing. Allele origin: germline.

Dasa
Classification: Benign. Last evaluated: 2025-11-18. Review status: criteria provided, single submitter. Criteria: DASA Assertion Criteria. Collection method: clinical testing. Allele origin: germline.
Comment: NM_014967.5(FAN1):c.2680C>T (p.Pro894Ser) is a missense variant that results in the substitution of proline with serine. Population frequency is inconsistent with a disease-causing role for this variant, and observations in unaffected individuals support a benign interpretation. Therefore, based on the currently available evidence, this variant is classified as benign.

GeneDx
Classification: Likely benign. Last evaluated: 2025-02-18. Review status: criteria provided, single submitter. Criteria: GeneDx Variant Classification Process June 2021. Collection method: clinical testing. Allele origin: germline. Affected: yes.
Comment: See Variant Classification Assertion Criteria.

Blueprint Genetics
Classification: Likely benign. Last evaluated: 2024-11-23. Review status: criteria provided, single submitter. Criteria: ACMG Guidelines, 2015. Collection method: clinical testing. Allele origin: germline.

Mayo Clinic Laboratories, Mayo Clinic
Classification: Benign. Last evaluated: 2023-11-15. Review status: criteria provided, single submitter. Criteria: ACMG Guidelines, 2015. Collection method: clinical testing. Allele origin: germline. Observed: 2 variant alleles.
Comment: BS1, BS2, BP4

Breakthrough Genomics
Classification: Likely benign. Review status: criteria provided, single submitter. Criteria: ACMG Guidelines, 2015. Collection method: not provided. Allele origin: germline. Inheritance: Autosomal recessive inheritance. Affected: yes.

Genome Diagnostics Laboratory, Amsterdam University Medical Center
Classification: Benign. Review status: no assertion criteria provided. Collection method: clinical testing. Allele origin: germline. Affected: yes. Study: VKGL Data-share Consensus. Not counted in ClinVar's aggregate classification.

Genome Diagnostics Laboratory, University Medical Center Utrecht
Classification: Benign. Review status: no assertion criteria provided. Collection method: clinical testing. Allele origin: germline. Affected: yes. Study: VKGL Data-share Consensus. Not counted in ClinVar's aggregate classification.

Joint Genome Diagnostic Labs from Nijmegen and Maastricht, Radboudumc and MUMC+
Classification: Benign. Review status: no assertion criteria provided. Collection method: clinical testing. Allele origin: germline. Affected: yes. Study: VKGL Data-share Consensus. Not counted in ClinVar's aggregate classification.

Literature cited by the submitters: PubMed 28623094 (cited by Mayo Clinic Laboratories, Mayo Clinic).

NM_014967.5(FAN1):c.2680C>T (p.Pro894Ser)

Genes: FAN1 (FANCD2 and FANCI associated nuclease 1; plus strand), MTMR10 (myotubularin related protein 10; minus strand). Cytogenetic location: 15q13.3.
Variant type: single nucleotide variant.
Coding change: c.2680C>T on transcript NM_014967.5 (MANE Select); coding-DNA position 2680, C replaced by T.
Protein change: p.Pro894Ser; replaces proline 894 with serine.
Molecular consequence: missense variant.
Genome position (GRCh38, 1-based): chr15:30,929,290, C>T. VCF-style: chr15-30929290-C-T. GRCh37 (hg19) VCF-style: chr15-31221493-C-T.
Other names: p.Pro894Ser; short protein forms P894S.
Identifiers: ClinVar variation 1200441 (VCV001200441.20), dbSNP rs80120912, ClinGen allele CA7450731.
Genomic context (GRCh38, chr15:30,929,290, plus strand): 5'-AGCTTCTTCACAAGCAGACGCCCAGCCCTTGAGGCCAGGCTGCAGCTGATTCATGATGCC[C>T]CCGAGGAGAGCCTGCGGGCCTGGGTGGCAGCCACGTGGCATGAGCAGGAAGGCAGAGTGG-3'
Protein context (NP_055782.3, residues 884-904): EARLQLIHDA[Pro894Ser]EESLRAWVAA